The following is an entry in ClinVar:

ClinVar aggregate classification (germline): Uncertain significance. Review status: criteria provided, single submitter (1 of 4 stars). 2 submissions from 2 submitters: Uncertain significance (1). 1 of the submissions does not count toward it. Last evaluated 2024-04-17.

Conditions:
CCDC78-related disorder. Also called: CCDC78-related condition.
Congenital myopathy with internal nuclei and atypical cores. Also called: Myopathy, centronuclear, 4. Identifiers: Orphanet 319160, MedGen C4707232, MONDO:0013890, OMIM 614807.

Allele frequency attached by ClinVar (database versions not stated): ExAC 0.00003.

Submissions (2):

Labcorp Genetics (formerly Invitae), Labcorp
Classification: Uncertain significance for Congenital myopathy with internal nuclei and atypical cores. Last evaluated: 2024-04-17. Review status: criteria provided, single submitter. Criteria: Invitae Variant Classification Sherloc (09022015). Collection method: clinical testing. Allele origin: germline.
Comment: This sequence change affects codon 159 of the CCDC78 mRNA. It is a 'silent' change, meaning that it does not change the encoded amino acid sequence of the CCDC78 protein. This variant is present in population databases (rs776425669, gnomAD 0.01%). This variant has not been reported in the literature in individuals affected with CCDC78-related conditions. Algorithms developed to predict the effect of sequence changes on RNA splicing suggest that this variant may disrupt the consensus splice site. In summary, the available evidence is currently insufficient to determine the role of this variant in disease. Therefore, it has been classified as a Variant of Uncertain Significance.

PreventionGenetics, part of Exact Sciences
Classification: Likely benign for CCDC78-related condition. Last evaluated: 2019-04-29. Review status: no assertion criteria provided. Collection method: clinical testing. Allele origin: germline. Not counted in ClinVar's aggregate classification.
Comment: This variant is classified as likely benign based on ACMG/AMP sequence variant interpretation guidelines (Richards et al. 2015 PMID: 25741868, with internal and published modifications).

NM_001378030.1(CCDC78):c.477C>T (p.His159=)

Gene: CCDC78 (coiled-coil domain containing 78; minus strand). Cytogenetic location: 16p13.3.
Variant type: single nucleotide variant.
Coding change: c.477C>T on transcript NM_001378030.1 (MANE Select); coding-DNA position 477, C replaced by T.
Protein change: p.His159=; no amino-acid change (histidine 159 retained).
Molecular consequence: synonymous variant. On other transcripts: non-coding transcript variant (5).
Genome position (GRCh38, 1-based): chr16:725,252, G>A on the plus strand (C>T on the coding strand, the complement: CCDC78 is on the minus strand). VCF-style: chr16-725252-G-A. GRCh37 (hg19) VCF-style: chr16-775252-G-A.
Other names: c.477C>T, p.His159= (NM_001031737.3, NM_001378031.1); c.24C>T, p.His8= (NM_001378033.1).
Identifiers: ClinVar variation 3056565 (VCV003056565.4), dbSNP rs776425669, ClinGen allele CA7789582.
Genomic context (GRCh38, chr16:725,252, plus strand): 5'-CTCTGGTGCTGCCCTCTCCCCTGAGCTAGGTGGCTGCACACTCACGCCGCTCCCCAGCCT[G>A]TGCTGCTCATTCTCGGGGTTCATGGTGTTCTTGGGCTGCACCTGAATGGAAGGGAGGGCA-3'
Protein context (NP_001364959.1, residues 149-169): KNTMNPENEQ[His159=]RLGSGLQGEV